The following is an entry in ClinVar:

NM_014332.3(SMPX):c.130G>T (p.Glu44Ter)

Gene: SMPX (small muscle protein X-linked; minus strand). Cytogenetic location: Xp22.12.
Variant type: single nucleotide variant.
Coding change: c.130G>T on transcript NM_014332.3 (MANE Select); coding-DNA position 130, G replaced by T.
Protein change: p.Glu44Ter; replaces glutamic acid 44 with a stop codon.
Molecular consequence: nonsense. On other transcripts: non-coding transcript variant (1).
Genome position (GRCh38, 1-based): chrX:21,743,752, C>A on the plus strand (G>T on the coding strand, the complement: SMPX is on the minus strand). VCF-style: chrX-21743752-C-A. GRCh37 (hg19) VCF-style: chrX-21761870-C-A.
Other names: short protein forms E44*.
Identifiers: ClinVar variation 1445549 (VCV001445549.6), dbSNP rs2147390451, ClinGen allele CA412562497.

ClinVar aggregate classification (germline): Pathogenic (1 of 4 stars; one submission).

Allele frequency attached by ClinVar (database versions not stated): gnomAD exomes below 0.00001.
gnomAD v4.1: 1 of 1,202,021 alleles (0.000083%); highest among the groups gnomAD compares: Non-Finnish European, 0.00011%; no homozygotes.

Submission:

Labcorp Genetics (formerly Invitae), Labcorp
Classification: Pathogenic. Last evaluated: 2021-11-10. Review status: criteria provided, single submitter. Criteria: Invitae Variant Classification Sherloc (09022015). Collection method: clinical testing. Allele origin: germline.
Comment: For these reasons, this variant has been classified as Pathogenic. Algorithms developed to predict the effect of sequence changes on RNA splicing suggest that this variant may create or strengthen a splice site. This variant has not been reported in the literature in individuals affected with SMPX-related conditions. This variant is not present in population databases (gnomAD no frequency). This sequence change creates a premature translational stop signal (p.Glu44*) in the SMPX gene. It is expected to result in an absent or disrupted protein product. Loss-of-function variants in SMPX are known to be pathogenic (PMID: 21549336, 21549342, 22911656).

Literature cited by the submitters: PubMed 21549336; PubMed 21549342; PubMed 22911656.